The following is an entry in ClinVar:

ClinVar aggregate classification (germline): Uncertain significance (1 of 4 stars; one submission).

Allele frequency attached by ClinVar (database versions not stated): gnomAD exomes 0.00002.
gnomAD v4.1: 22 of 1,614,072 alleles (0.0014%); highest among the groups gnomAD compares: Non-Finnish European, 0.0019%; no homozygotes.

Submission:

Labcorp Genetics (formerly Invitae), Labcorp
Classification: Uncertain significance. Last evaluated: 2023-09-14. Review status: criteria provided, single submitter. Criteria: Invitae Variant Classification Sherloc (09022015). Collection method: clinical testing. Allele origin: germline.
Comment: In summary, the available evidence is currently insufficient to determine the role of this variant in disease. Therefore, it has been classified as a Variant of Uncertain Significance. This variant has not been reported in the literature in individuals affected with IL18BP-related conditions. This variant is not present in population databases (gnomAD no frequency). This sequence change affects codon 149 of the IL18BP mRNA. It is a 'silent' change, meaning that it does not change the encoded amino acid sequence of the IL18BP protein.

NM_001039660.2(IL18BP):c.447C>G (p.Ser149=)

Gene: IL18BP (interleukin 18 binding protein; plus strand). Cytogenetic location: 11q13.4.
Variant type: single nucleotide variant.
Coding change: c.447C>G on transcript NM_001039660.2 (MANE Select); coding-DNA position 447, C replaced by G.
Protein change: p.Ser149=; no amino-acid change (serine 149 retained).
Molecular consequence: synonymous variant. On other transcripts: intron variant (2).
Genome position (GRCh38, 1-based): chr11:72,001,492, C>G. VCF-style: chr11-72001492-C-G. GRCh37 (hg19) VCF-style: chr11-71712538-C-G.
Other names: c.447C>G, p.Ser149= (NM_001039659.2, NM_001145057.1, NM_005699.3 and 1 more transcripts); c.379+68C>G (NM_173044.3); c.236-292C>G (NM_001145055.1).
Identifiers: ClinVar variation 2781909 (VCV002781909.3), dbSNP rs781039402, ClinGen allele CA224379340.